The following is an entry in ClinVar:

ClinVar aggregate classification (germline): Pathogenic (1 of 4 stars; one submission).

Conditions:
Renal tubular acidosis, distal, 3, with or without sensorineural hearing loss (DRTA3). Identifiers: MedGen C5399980, MONDO:0011268, OMIM 602722.

Submission:

Juno Genomics, Hangzhou Juno Genomics, Inc
Classification: Pathogenic for Renal tubular acidosis, distal, 3, with or without sensorineural hearing loss. Review status: criteria provided, single submitter. Criteria: ACMG Guidelines, 2015. Collection method: clinical testing. Allele origin: germline. Affected: yes.
Comment: Absent from controls (or at extremely low frequency if recessive) in Genome Aggregation Database, Exome Sequencing Project, 1000 Genomes Project, or Exome Aggregation Consortium.;Null variant in a gene where loss of function (LOF) is a known mechanism of disease.;For recessive disorders, detected in trans with a pathogenic variant.

NM_020632.3(ATP6V0A4):c.639+1G>A

Gene: ATP6V0A4 (ATPase H+ transporting V0 subunit a4; minus strand). Cytogenetic location: 7q34.
Variant type: single nucleotide variant.
Coding change: c.639+1G>A on transcript NM_020632.3 (MANE Select); the canonical splice donor site of the intron after coding-DNA position 639, G replaced by A.
Molecular consequence: splice donor variant.
Genome position (GRCh38, 1-based): chr7:138,759,751, C>T on the plus strand (G>A on the coding strand, the complement: ATP6V0A4 is on the minus strand). VCF-style: chr7-138759751-C-T. GRCh37 (hg19) VCF-style: chr7-138444496-C-T.
Other names: c.639+1G>A (NM_130840.3, NM_130841.3).
Identifiers: ClinVar variation 4796566 (VCV004796566.1).